The following is an entry in ClinVar:

ClinVar aggregate classification (germline): Uncertain significance (1 of 4 stars; one submission).

Submission:

GeneDx
Classification: Uncertain significance. Last evaluated: 2023-07-17. Review status: criteria provided, single submitter. Criteria: GeneDx Variant Classification Process June 2021. Collection method: clinical testing. Allele origin: germline. Affected: yes.
Comment: Not observed at significant frequency in large population cohorts (gnomAD); In silico analysis supports a deleterious effect on splicing; In silico analysis supports that this missense variant does not alter protein structure/function; Has not been previously published as pathogenic or benign to our knowledge

NM_007327.4(GRIN1):c.1448A>G (p.Lys483Arg)

Gene: GRIN1 (glutamate ionotropic receptor NMDA type subunit 1; plus strand). Cytogenetic location: 9q34.3.
Variant type: single nucleotide variant.
Coding change: c.1448A>G on transcript NM_007327.4 (MANE Select); coding-DNA position 1448, A replaced by G.
Protein change: p.Lys483Arg; replaces lysine 483 with arginine.
Molecular consequence: missense variant.
Genome position (GRCh38, 1-based): chr9:137,161,397, A>G. VCF-style: chr9-137161397-A-G. GRCh37 (hg19) VCF-style: chr9-140055849-A-G.
Other names: c.1448A>G, p.Lys483Arg (NM_000832.7, NM_021569.4); c.1511A>G, p.Lys504Arg (NM_001185090.2, NM_001185091.2); short protein forms K483R, K504R.
Identifiers: ClinVar variation 3361071 (VCV003361071.1).
Genomic context (GRCh38, chr9:137,161,397, plus strand): 5'-TCATCAAGCTGGCACGGACCATGAACTTCACCTACGAGGTGCACCTGGTGGCAGATGGCA[A>G]GTTCGGCACACAGGAGCGGGTAGGCTGGACGGCGGGGGTGGGGACCAGCGTGAGAGGGGC-3'
Protein context (NP_015566.1, residues 473-493): TYEVHLVADG[Lys483Arg]FGTQERVNNS